The following is an entry in ClinVar:

ClinVar aggregate classification (germline): Uncertain significance. Review status: criteria provided, multiple submitters, no conflicts (2 of 4 stars). 3 submissions from 3 submitters: Uncertain significance (2). 1 of the submissions does not count toward it. Last evaluated 2025-07-29.

Conditions:
Leber congenital amaurosis (LCA). Also called: Leber's amaurosis. Identifiers: Orphanet 65, MedGen C0339527, MeSH D057130, MONDO:0018998.
Leber congenital amaurosis 13 (LCA13). Identifiers: MedGen C2675186, MONDO:0012990, OMIM 612712.

Allele frequency attached by ClinVar (database versions not stated): ExAC 0.00002; gnomAD exomes 0.00001; TOPMed 0.00003; gnomAD 0.00001 and 0.00002; 1000 Genomes Project 30x 0.00016; 1000 Genomes Project 0.00020.
gnomAD v4.1: 22 of 1,614,182 alleles (0.0014%); highest among the groups gnomAD compares: East Asian, 0.0067%; no homozygotes.

Submissions (3):

Dasa
Classification: Uncertain significance. Last evaluated: 2025-07-29. Review status: criteria provided, single submitter. Criteria: DASA Assertion Criteria. Collection method: clinical testing. Allele origin: germline.
Comment: NM_152443.3(RDH12):c.578G>A (p.Arg193His) is a missense variant that results in the substitution of arginine with histidine. This variant is rare in population databases. Computational prediction algorithms are consistent with a benign effect. The currently available literature and clinical evidence are not sufficient to establish a definitive association between this variant and the reported condition. Therefore, this variant is classified as a variant of uncertain significance.

Labcorp Genetics (formerly Invitae), Labcorp
Classification: Uncertain significance for Leber congenital amaurosis 13. Last evaluated: 2022-08-08. Review status: criteria provided, single submitter. Criteria: Invitae Variant Classification Sherloc (09022015). Collection method: clinical testing. Allele origin: germline.
Comment: This sequence change replaces arginine, which is basic and polar, with histidine, which is basic and polar, at codon 193 of the RDH12 protein (p.Arg193His). This variant is present in population databases (rs567973980, gnomAD 0.003%). This variant has not been reported in the literature in individuals affected with RDH12-related conditions. ClinVar contains an entry for this variant (Variation ID: 851967). Algorithms developed to predict the effect of missense changes on protein structure and function output the following: SIFT: "Tolerated"; PolyPhen-2: "Benign"; Align-GVGD: "Class C0". The histidine amino acid residue is found in multiple mammalian species, which suggests that this missense change does not adversely affect protein function. In summary, the available evidence is currently insufficient to determine the role of this variant in disease. Therefore, it has been classified as a Variant of Uncertain Significance.

Natera, Inc.
Classification: Uncertain significance for Leber congenital amaurosis. Last evaluated: 2020-04-17. Review status: no assertion criteria provided. Collection method: clinical testing. Allele origin: germline. Not counted in ClinVar's aggregate classification.

NM_152443.3(RDH12):c.578G>A (p.Arg193His)

Genes: GPHN (gephyrin; plus strand), RDH12 (retinol dehydrogenase 12; plus strand). Cytogenetic location: 14q24.1.
Variant type: single nucleotide variant.
Coding change: c.578G>A on transcript NM_152443.3 (MANE Select); coding-DNA position 578, G replaced by A.
Protein change: p.Arg193His; replaces arginine 193 with histidine.
Molecular consequence: missense variant.
Genome position (GRCh38, 1-based): chr14:67,727,110, G>A. VCF-style: chr14-67727110-G-A. GRCh37 (hg19) VCF-style: chr14-68193827-G-A.
Other names: short protein forms R193H.
Identifiers: ClinVar variation 851967 (VCV000851967.6), dbSNP rs567973980, ClinGen allele CA7238754.
Genomic context (GRCh38, chr14:67,727,110, plus strand): 5'-TGTCCTCGGTGGCTCACCACATTGGCAAGATTCCCTTCCACGACCTCCAGAGCGAGAAGC[G>A]CTACAGCAGGGGTTTTGCCTATTGCCACAGCAAGCTGGCCAATGTGCTTTTTACTCGTGA-3'
Protein context (NP_689656.2, residues 183-203): IPFHDLQSEK[Arg193His]YSRGFAYCHS